The following is an entry in ClinVar:

ClinVar aggregate classification (germline): Benign. Review status: criteria provided, multiple submitters, no conflicts (2 of 4 stars). 2 submissions from 2 submitters: Benign (2). Last evaluated 2018-01-12.

Conditions:
Pyruvate dehydrogenase E1-alpha deficiency (PDHAD). Also called: ATAXIA, INTERMITTENT, WITH PYRUVATE DEHYDROGENASE DEFICIENCY; ATAXIA WITH LACTIC ACIDOSIS I; ATAXIA, INTERMITTENT, WITH ABNORMAL PYRUVATE METABOLISM; Ataxia, intermittent, with pyruvate dehydrogenase, or decarboxylase, deficiency. Identifiers: Orphanet 79243, MedGen C1839413, MONDO:0010717, OMIM 312170.

Allele frequency attached by ClinVar (database versions not stated): 1000 Genomes Project 0.02464; 1000 Genomes Project 30x 0.02518; TOPMed 0.05413; gnomAD 0.05895 and 0.06012; gnomAD exomes 0.08866.
gnomAD v4.1: 63,999 of 766,658 alleles (8.3%); highest among the groups gnomAD compares: Non-Finnish European, 11%; 2,435 homozygotes.

Submissions (2):

Illumina Laboratory Services, Illumina
Classification: Benign for Pyruvate dehydrogenase E1-alpha deficiency. Last evaluated: 2018-01-12. Review status: criteria provided, single submitter. Criteria: ICSL Variant Classification Criteria 13 December 2019. Collection method: clinical testing. Allele origin: germline.
Comment: This variant was observed in the ICSL laboratory as part of a predisposition screen in an ostensibly healthy population. It had not been previously curated by ICSL or reported in the Human Gene Mutation Database (HGMD: prior to June 1st, 2018), and was therefore a candidate for classification through an automated scoring system. Utilizing variant allele frequency, disease prevalence and penetrance estimates, and inheritance mode, an automated score was calculated to assess if this variant is too frequent to cause the disease. Based on the score and internal cut-off values, a variant classified as benign is not then subjected to further curation. The score for this variant resulted in a classification of benign for this disease.

Breakthrough Genomics
Classification: Benign. Review status: criteria provided, single submitter. Criteria: ACMG Guidelines, 2015. Collection method: not provided. Allele origin: germline. Inheritance: X-linked inheritance. Affected: yes.

NM_000284.4(PDHA1):c.*1598G>C

Genes: MAP3K15 (mitogen-activated protein kinase kinase kinase 15; minus strand), PDHA1 (pyruvate dehydrogenase E1 subunit alpha 1; plus strand). Cytogenetic location: Xp22.12.
Variant type: single nucleotide variant.
Coding change: c.*1598G>C on transcript NM_000284.4 (MANE Select); 1598 bases downstream of the stop codon, G replaced by C.
Molecular consequence: 3 prime UTR variant. On other transcripts: intron variant (1).
Genome position (GRCh38, 1-based): chrX:19,361,251, G>C. VCF-style: chrX-19361251-G-C. GRCh37 (hg19) VCF-style: chrX-19379369-G-C.
Other names: c.*1598G>C (NM_001173454.2, NM_001173455.2, NM_001173456.2); c.3857+88C>G (NM_001001671.4).
Identifiers: ClinVar variation 913020 (VCV000913020.5), dbSNP rs11094770, ClinGen allele CA16007078.